The following is an entry in ClinVar:

ClinVar aggregate classification (germline): Pathogenic (1 of 4 stars; one submission).

Conditions:
Familial thoracic aortic aneurysm and aortic dissection (TAAD). Also called: Thoracic aortic aneurysms and dissections. Identifiers: Orphanet 91387, MedGen C4707243, MONDO:0019625.

Submission:

Labcorp Genetics (formerly Invitae), Labcorp
Classification: Pathogenic for Familial thoracic aortic aneurysm and aortic dissection. Last evaluated: 2021-09-30. Review status: criteria provided, single submitter. Criteria: Invitae Variant Classification Sherloc (09022015). Collection method: clinical testing. Allele origin: germline.
Comment: For these reasons, this variant has been classified as Pathogenic. This variant has not been reported in the literature in individuals affected with SMAD3-related conditions. This variant is not present in population databases (ExAC no frequency). This sequence change creates a premature translational stop signal (p.Gln128*) in the SMAD3 gene. It is expected to result in an absent or disrupted protein product. Loss-of-function variants in SMAD3 are known to be pathogenic (PMID: 21778426, 24804794).

Literature cited by the submitters: PubMed 21778426; PubMed 24804794.

NM_005902.4(SMAD3):c.382C>T (p.Gln128Ter)

Gene: SMAD3 (SMAD family member 3; plus strand). Cytogenetic location: 15q22.33.
Variant type: single nucleotide variant.
Coding change: c.382C>T on transcript NM_005902.4 (MANE Select); coding-DNA position 382, C replaced by T.
Protein change: p.Gln128Ter; replaces glutamine 128 with a stop codon.
Molecular consequence: nonsense.
Genome position (GRCh38, 1-based): chr15:67,165,070, C>T. VCF-style: chr15-67165070-C-T. GRCh37 (hg19) VCF-style: chr15-67457408-C-T.
Other names: c.67C>T, p.Gln23Ter (NM_001145102.2); c.250C>T, p.Gln84Ter (NM_001145103.2); short protein forms Q84*, Q128*, Q23*.
Identifiers: ClinVar variation 1453567 (VCV001453567.6), dbSNP rs2140294260, ClinGen allele CA392954175.